The following is an entry in ClinVar:

ClinVar aggregate classification (germline): Uncertain significance (1 of 4 stars; one submission).

Conditions:
Peroxisome biogenesis disorder. Identifiers: Orphanet 79189, MedGen C1832200, MONDO:0019234. Disease mechanism: loss of function.

Allele frequency attached by ClinVar (database versions not stated): gnomAD exomes below 0.00001.
gnomAD v4.1: 2 of 1,599,408 alleles (0.00013%); highest among the groups gnomAD compares: Middle Eastern, 0.033%; no homozygotes.

Submission:

Labcorp Genetics (formerly Invitae), Labcorp
Classification: Uncertain significance for Peroxisome biogenesis disorder. Last evaluated: 2021-09-17. Review status: criteria provided, single submitter. Criteria: Invitae Variant Classification Sherloc (09022015). Collection method: clinical testing. Allele origin: germline.
Comment: This sequence change replaces valine with methionine at codon 507 of the PEX6 protein (p.Val507Met). The valine residue is weakly conserved and there is a small physicochemical difference between valine and methionine. This variant is not present in population databases (ExAC no frequency). This variant has not been reported in the literature in individuals with PEX6-related conditions. Algorithms developed to predict the effect of missense changes on protein structure and function are either unavailable or do not agree on the potential impact of this missense change (SIFT: "Tolerated"; PolyPhen-2: "Possibly Damaging"; Align-GVGD: "Class C0"). In summary, the available evidence is currently insufficient to determine the role of this variant in disease. Therefore, it has been classified as a Variant of Uncertain Significance.

NM_000287.4(PEX6):c.1519G>A (p.Val507Met)

Gene: PEX6 (peroxisomal biogenesis factor 6; minus strand). Cytogenetic location: 6p21.1.
Variant type: single nucleotide variant.
Coding change: c.1519G>A on transcript NM_000287.4 (MANE Select); coding-DNA position 1519, G replaced by A.
Protein change: p.Val507Met; replaces valine 507 with methionine.
Molecular consequence: missense variant. On other transcripts: non-coding transcript variant (1).
Genome position (GRCh38, 1-based): chr6:42,968,459, C>T on the plus strand (G>A on the coding strand, the complement: PEX6 is on the minus strand). VCF-style: chr6-42968459-C-T. GRCh37 (hg19) VCF-style: chr6-42936197-C-T.
Other names: c.1255G>A, p.Val419Met (NM_001316313.2); short protein forms V419M, V507M.
Identifiers: ClinVar variation 2149718 (VCV002149718.1), dbSNP rs1355702643, ClinGen allele CA364154535.